The following is an entry in ClinVar:

NM_001122681.2(SH3BP2):c.713C>T (p.Pro238Leu)

Gene: SH3BP2 (SH3 domain binding protein 2; plus strand). Cytogenetic location: 4p16.3.
Variant type: single nucleotide variant.
Coding change: c.713C>T on transcript NM_001122681.2 (MANE Select); coding-DNA position 713, C replaced by T.
Protein change: p.Pro238Leu; replaces proline 238 with leucine.
Molecular consequence: missense variant.
Genome position (GRCh38, 1-based): chr4:2,829,619, C>T. VCF-style: chr4-2829619-C-T. GRCh37 (hg19) VCF-style: chr4-2831346-C-T.
Other names: p.Pro238Leu; c.797C>T, p.Pro266Leu (LRG_1334t2, NM_001145855.2); c.713C>T, p.Pro238Leu (LRG_1334t1, NM_003023.4); c.884C>T, p.Pro295Leu (NM_001145856.2); short protein forms P238L, P295L, P266L.
Identifiers: ClinVar variation 651398 (VCV000651398.12), dbSNP rs369270340, ClinGen allele CA2819300.
Genomic context (GRCh38, chr4:2,829,619, plus strand): 5'-CTGACATGCCCCGGGCCCACTCCTTTACCTCCAAGGGCCCCGGTCCCCTACTGCCACCCC[C>T]GCCCCCTAAGCACGGCCTCCCAGATGTTGGCCTGGCTGCTGAGGACTCCAAGAGGGACCC-3'
Protein context (NP_001116153.1, residues 228-248): SKGPGPLLPP[Pro238Leu]PPKHGLPDVG

ClinVar aggregate classification (germline): Uncertain significance. Review status: criteria provided, multiple submitters, no conflicts (2 of 4 stars). 4 submissions from 4 submitters: Uncertain significance (4). Last evaluated 2024-12-24.

Conditions:
Fibrous dysplasia of jaw (CRBM). Also called: Cherubism. Identifiers: Orphanet 184, MedGen C0008029, MONDO:0007315, OMIM 118400.
Inborn genetic diseases. Identifiers: MedGen C0950123, MeSH D030342.

Allele frequency attached by ClinVar (database versions not stated): gnomAD 0.00003 and 0.00004; gnomAD exomes 0.00003 and 0.00005; ExAC 0.00005; TOPMed 0.00005; ESP Exome Variant Server 0.00008; 1000 Genomes Project 30x 0.00016; 1000 Genomes Project 0.00020.

Submissions (4):

Labcorp Genetics (formerly Invitae), Labcorp
Classification: Uncertain significance for Fibrous dysplasia of jaw. Last evaluated: 2024-12-24. Review status: criteria provided, single submitter. Criteria: Invitae Variant Classification Sherloc (09022015). Collection method: clinical testing. Allele origin: germline.
Comment: This sequence change replaces proline, which is neutral and non-polar, with leucine, which is neutral and non-polar, at codon 238 of the SH3BP2 protein (p.Pro238Leu). This variant is present in population databases (rs369270340, gnomAD 0.01%). This variant has not been reported in the literature in individuals affected with SH3BP2-related conditions. ClinVar contains an entry for this variant (Variation ID: 651398). Invitae Evidence Modeling of protein sequence and biophysical properties (such as structural, functional, and spatial information, amino acid conservation, physicochemical variation, residue mobility, and thermodynamic stability) indicates that this missense variant is not expected to disrupt SH3BP2 protein function with a negative predictive value of 80%. In summary, the available evidence is currently insufficient to determine the role of this variant in disease. Therefore, it has been classified as a Variant of Uncertain Significance.

Ambry Genetics
Classification: Uncertain significance for Inborn genetic diseases. Last evaluated: 2024-08-05. Review status: criteria provided, single submitter. Criteria: Ambry Variant Classification Scheme 2023. Collection method: clinical testing. Allele origin: germline.

Mayo Clinic Laboratories, Mayo Clinic
Classification: Uncertain significance. Last evaluated: 2023-02-24. Review status: criteria provided, single submitter. Criteria: ACMG Guidelines, 2015. Collection method: clinical testing. Allele origin: germline. Observed: 1 variant allele.
Comment: BS1

Breakthrough Genomics
Classification: Uncertain significance. Review status: criteria provided, single submitter. Criteria: ACMG Guidelines, 2015. Collection method: not provided. Allele origin: germline. Inheritance: Autosomal dominant inheritance. Affected: yes.